The following is an entry in ClinVar:

NM_022124.6(CDH23):c.8053_8054delinsTT (p.Ala2685Leu)

Genes: CDH23 (cadherin related 23; plus strand), LOC111982869 (Sharpr-MPRA regulatory region 2121; plus strand). Cytogenetic location: 10q22.1.
Variant type: Indel.
Coding change: c.8053_8054delinsTT on transcript NM_022124.6 (MANE Select); coding-DNA positions 8053 to 8054, GC replaced by TT.
Protein change: p.Ala2685Leu; replaces alanine 2685 with leucine.
Molecular consequence: missense variant.
Genome position (GRCh38, 1-based): chr10:71,805,986-71,805,987, GC replaced by TT. VCF-style: chr10-71805986-GC-TT. GRCh37 (hg19) VCF-style: chr10-73565743-GC-TT.
Other names: c.1333_1334delinsTT, p.Ala445Leu (NM_001171933.1, NM_001171934.1); short protein forms A445L, A2685L.
Identifiers: ClinVar variation 2052031 (VCV002052031.4), dbSNP rs2494427477, ClinGen allele CA2580081915.

ClinVar aggregate classification (germline): Uncertain significance (1 of 4 stars; one submission).

Submission:

Labcorp Genetics (formerly Invitae), Labcorp
Classification: Uncertain significance. Last evaluated: 2021-12-21. Review status: criteria provided, single submitter. Criteria: Invitae Variant Classification Sherloc (09022015). Collection method: clinical testing. Allele origin: germline.
Comment: This variant has not been reported in the literature in individuals affected with CDH23-related conditions. In summary, the available evidence is currently insufficient to determine the role of this variant in disease. Therefore, it has been classified as a Variant of Uncertain Significance. Experimental studies and prediction algorithms are not available or were not evaluated, and the functional significance of this variant is currently unknown. Information on the frequency of this variant in the gnomAD database is not available, as this variant may be reported differently in the database. This sequence change replaces alanine, which is neutral and non-polar, with leucine, which is neutral and non-polar, at codon 2685 of the CDH23 protein (p.Ala2685Leu).